The following is an entry in ClinVar:

NM_015627.3(LDLRAP1):c.393C>T (p.Tyr131=)

Gene: LDLRAP1 (low density lipoprotein receptor adaptor protein 1; plus strand). Cytogenetic location: 1p36.11.
Variant type: single nucleotide variant.
Coding change: c.393C>T on transcript NM_015627.3 (MANE Select); coding-DNA position 393, C replaced by T.
Protein change: p.Tyr131=; no amino-acid change (tyrosine 131 retained).
Molecular consequence: synonymous variant.
Genome position (GRCh38, 1-based): chr1:25,557,201, C>T. VCF-style: chr1-25557201-C-T. GRCh37 (hg19) VCF-style: chr1-25883692-C-T.
Other names: c.393C>T (NM_015627.2).
Identifiers: ClinVar variation 1664724 (VCV001664724.10), dbSNP rs2124673883, ClinGen allele CA416742310.

ClinVar aggregate classification (germline): Likely benign. Review status: criteria provided, multiple submitters, no conflicts (2 of 4 stars). 3 submissions from 3 submitters: Likely benign (3). Last evaluated 2024-05-05.

Conditions:
Cardiovascular phenotype. Identifiers: MedGen CN230736.
Hypercholesterolemia, familial, 4 (FHCL4). Also called: HYPERCHOLESTEROLEMIA, AUTOSOMAL RECESSIVE, 1; HYPERCHOLESTEROLEMIA, AUTOSOMAL RECESSIVE, 2. Identifiers: Orphanet 391665, MedGen C1863512, MONDO:0011374, OMIM 603813.

Submissions (3):

Labcorp Genetics (formerly Invitae), Labcorp
Classification: Likely benign for Hypercholesterolemia, familial, 4. Last evaluated: 2024-05-05. Review status: criteria provided, single submitter. Criteria: Invitae Variant Classification Sherloc (09022015). Collection method: clinical testing. Allele origin: germline.

Ambry Genetics
Classification: Likely benign for Cardiovascular phenotype. Last evaluated: 2024-01-16. Review status: criteria provided, single submitter. Criteria: Ambry Variant Classification Scheme 2023. Collection method: clinical testing. Allele origin: germline.

GENinCode PLC
Classification: Likely benign for Hypercholesterolemia, familial, 4. Last evaluated: 2023-12-08. Review status: criteria provided, single submitter. Criteria: ACMG Guidelines, 2015. Collection method: clinical testing. Allele origin: germline.
Comment: This is a synonymous (silent) variant that is not predicted by SpliceAI to impact splicing. In addition, it occurs at a nucleotide that is not conserved. Therefore this variant has been classified as Likely Benign (BP4, BP7).